The following is an entry in ClinVar:

NM_173648.4(CCDC141):c.2777A>T (p.Asn926Ile)

Gene: CCDC141 (coiled-coil domain containing 141; minus strand). Cytogenetic location: 2q31.2.
Variant type: single nucleotide variant.
Coding change: c.2777A>T on transcript NM_173648.4 (MANE Select); coding-DNA position 2777, A replaced by T.
Protein change: p.Asn926Ile; replaces asparagine 926 with isoleucine.
Molecular consequence: missense variant.
Genome position (GRCh38, 1-based): chr2:178,856,345, T>A on the plus strand (A>T on the coding strand, the complement: CCDC141 is on the minus strand). VCF-style: chr2-178856345-T-A. GRCh37 (hg19) VCF-style: chr2-179721072-T-A.
Other names: short protein forms N926I.
Identifiers: ClinVar variation 2082698 (VCV002082698.4), dbSNP rs150493199, ClinGen allele CA2006892.
Genomic context (GRCh38, chr2:178,856,345, plus strand): 5'-TGCTGAATTTGATATTTAAGCGCCTTCAGATTCCGAGATTTTTCATTTTTCTTAGTGTAA[T>A]TAAACTTCAAATTATTGAATTTCTTTTTGATATCTTTGAATGAGTCTTTGAGCTGTAGTT-3'
Protein context (NP_775919.3, residues 916-936): IKKKFNNLKF[Asn926Ile]YTKKNEKSRN

ClinVar aggregate classification (germline): Uncertain significance (1 of 4 stars; one submission).

Allele frequency attached by ClinVar (database versions not stated): TOPMed 0.00020; gnomAD 0.00024; ESP Exome Variant Server 0.00031; ExAC 0.00037.
gnomAD v4.1: 509 of 1,607,510 alleles (0.032%); highest among the groups gnomAD compares: Non-Finnish European, 0.037%; 2 homozygotes.

Submission:

Labcorp Genetics (formerly Invitae), Labcorp
Classification: Uncertain significance. Last evaluated: 2025-08-29. Review status: criteria provided, single submitter. Criteria: Invitae Variant Classification Sherloc (09022015). Collection method: clinical testing. Allele origin: germline.
Comment: This sequence change replaces asparagine, which is neutral and polar, with isoleucine, which is neutral and non-polar, at codon 926 of the CCDC141 protein (p.Asn926Ile). This variant is present in population databases (rs150493199, gnomAD 0.08%), and has an allele count higher than expected for a pathogenic variant. This missense change has been observed in individual(s) with delayed puberty (PMID: 34930920). ClinVar contains an entry for this variant (Variation ID: 2082698). An algorithm developed to predict the effect of missense changes on protein structure and function (PolyPhen-2) suggests that this variant is likely to be disruptive. In summary, the available evidence is currently insufficient to determine the role of this variant in disease. Therefore, it has been classified as a Variant of Uncertain Significance.

Literature cited by the submitters: PubMed 34930920.